The following is an entry in ClinVar:

NM_018967.5(SNTG1):c.1165A>T (p.Thr389Ser)

Gene: SNTG1 (syntrophin gamma 1; plus strand). Cytogenetic location: 8q11.21.
Variant type: single nucleotide variant.
Coding change: c.1165A>T on transcript NM_018967.5 (MANE Select); coding-DNA position 1165, A replaced by T.
Protein change: p.Thr389Ser; replaces threonine 389 with serine.
Molecular consequence: missense variant. On other transcripts: non-coding transcript variant (5).
Genome position (GRCh38, 1-based): chr8:50,704,726, A>T. VCF-style: chr8-50704726-A-T. GRCh37 (hg19) VCF-style: chr8-51617286-A-T.
Other names: c.1165A>T, p.Thr389Ser (NM_001287813.3, NM_001287814.3, NM_001321773.2 and 4 more transcripts); short protein forms T389S.
Identifiers: ClinVar variation 4984642 (VCV004984642.1).

ClinVar aggregate classification (germline): Uncertain significance (1 of 4 stars; one submission).

Conditions:
SNTG1-related disorder. Also called: SNTG1-related condition.

Submission:

PreventionGenetics, part of Exact Sciences
Classification: Uncertain significance for SNTG1-related condition. Last evaluated: 2025-11-01. Review status: criteria provided, single submitter. Criteria: ACMG Guidelines, 2015. Collection method: clinical testing. Allele origin: germline.
Comment: The SNTG1 c.1165A>T variant is predicted to result in the amino acid substitution p.Thr389Ser. To our knowledge, this variant has not been reported in the literature or in a large population database (gnomAD), indicating this variant is rare. At this time, the clinical significance of this variant is uncertain due to the absence of conclusive functional and genetic evidence.